The following is an entry in ClinVar:

ClinVar aggregate classification (germline): Uncertain significance. Review status: criteria provided, multiple submitters, no conflicts (2 of 4 stars). 3 submissions from 2 submitters: Uncertain significance (3). Last evaluated 2025-07-13.

Conditions:
Isolated microphthalmia 5. Also called: Posterior Microphthalmia with Retinitis Pigmentosa, Foveoschisis, and Optic Disc Drusen. Identifiers: Orphanet 251279, MedGen C1970236, MONDO:0012605, OMIM 611040.
Late-onset retinal degeneration (LORD). Also called: RETINAL DEGENERATION, LATE-ONSET, AUTOSOMAL DOMINANT. Identifiers: Orphanet 67042, MedGen C1854065, MONDO:0011579, OMIM 605670. Disease mechanism: loss of function.

Allele frequency attached by ClinVar (database versions not stated): TOPMed 0.00002.
gnomAD v4.1: 52 of 1,514,156 alleles (0.0034%); highest among the groups gnomAD compares: Middle Eastern, 0.07%; no homozygotes.

Submissions (3):

Labcorp Genetics (formerly Invitae), Labcorp
Classification: Uncertain significance. Last evaluated: 2025-07-13. Review status: criteria provided, single submitter. Criteria: Invitae Variant Classification Sherloc (09022015). Collection method: clinical testing. Allele origin: germline.
Comment: This sequence change replaces proline, which is neutral and non-polar, with glutamine, which is neutral and polar, at codon 71 of the C1QTNF5 protein (p.Pro71Gln). This variant is present in population databases (no rsID available, gnomAD 0.01%). This variant has not been reported in the literature in individuals affected with C1QTNF5-related conditions. ClinVar contains an entry for this variant (Variation ID: 880509). An algorithm developed to predict the effect of missense changes on protein structure and function (PolyPhen-2) suggests that this variant is likely to be disruptive. In summary, the available evidence is currently insufficient to determine the role of this variant in disease. Therefore, it has been classified as a Variant of Uncertain Significance.

Illumina Laboratory Services, Illumina
Classification: Uncertain significance for Isolated microphthalmia 5. Last evaluated: 2018-01-13. Review status: criteria provided, single submitter. Criteria: ICSL Variant Classification Criteria 13 December 2019. Collection method: clinical testing. Allele origin: germline.

Illumina Laboratory Services, Illumina
Classification: Uncertain significance for Late-onset retinal degeneration. Last evaluated: 2018-01-12. Review status: criteria provided, single submitter. Criteria: ICSL Variant Classification Criteria 13 December 2019. Collection method: clinical testing. Allele origin: germline.

NM_001278431.2(C1QTNF5):c.212C>A (p.Pro71Gln)

Genes: MFRP (membrane frizzled-related protein; minus strand), C1QTNF5 (C1q and TNF related 5; minus strand). Cytogenetic location: 11q23.3.
Variant type: single nucleotide variant.
Coding change: c.212C>A on transcript NM_001278431.2 (MANE Select); coding-DNA position 212, C replaced by A.
Protein change: p.Pro71Gln; replaces proline 71 with glutamine.
Molecular consequence: missense variant. On other transcripts: 3 prime UTR variant (1).
Genome position (GRCh38, 1-based): chr11:119,340,186, G>T on the plus strand (C>A on the coding strand, the complement: C1QTNF5 is on the minus strand). VCF-style: chr11-119340186-G-T. GRCh37 (hg19) VCF-style: chr11-119210896-G-T.
Other names: c.212C>A, p.Pro71Gln (NM_015645.5); c.*1108C>A (NM_031433.4); short protein forms P71Q.
Identifiers: ClinVar variation 880509 (VCV000880509.9), dbSNP rs554735772, ClinGen allele CA229674848.